The following is an entry in ClinVar:

NM_000081.4(LYST):c.10468G>A (p.Gly3490Arg)

Gene: LYST (lysosomal trafficking regulator; minus strand). Cytogenetic location: 1q42.3.
Variant type: single nucleotide variant.
Coding change: c.10468G>A on transcript NM_000081.4 (MANE Select); coding-DNA position 10468, G replaced by A.
Protein change: p.Gly3490Arg; replaces glycine 3490 with arginine.
Molecular consequence: missense variant.
Genome position (GRCh38, 1-based): chr1:235,697,179, C>T on the plus strand (G>A on the coding strand, the complement: LYST is on the minus strand). VCF-style: chr1-235697179-C-T. GRCh37 (hg19) VCF-style: chr1-235860479-C-T.
Other names: c.10468G>A, p.Gly3490Arg (NM_001301365.1); short protein forms G3490R.
Identifiers: ClinVar variation 649701 (VCV000649701.5), dbSNP rs373529106, ClinGen allele CA1465360.

ClinVar aggregate classification (germline): Uncertain significance. Review status: criteria provided, multiple submitters, no conflicts (2 of 4 stars). 3 submissions from 3 submitters: Uncertain significance (3). Last evaluated 2025-05-29.

Conditions:
LYST-related disorder. Also called: LYST-related condition.
Chédiak-Higashi syndrome (CHS). Also called: Chediak-Higashi Syndrome. Identifiers: Orphanet 167, MedGen C0007965, MONDO:0008963, OMIM 214500.

Allele frequency attached by ClinVar (database versions not stated): ExAC 0.00003; gnomAD 0.00003; TOPMed 0.00004; ESP Exome Variant Server 0.00008; 1000 Genomes Project 30x 0.00016; 1000 Genomes Project 0.00020.
gnomAD v4.1: 16 of 1,614,172 alleles (0.00099%); highest among the groups gnomAD compares: East Asian, 0.0067%; no homozygotes.

Submissions (3):

PreventionGenetics, part of Exact Sciences
Classification: Uncertain significance for LYST-related condition. Last evaluated: 2025-05-29. Review status: criteria provided, single submitter. Criteria: ACMG Guidelines, 2015. Collection method: clinical testing. Allele origin: germline.
Comment: The LYST c.10468G>A variant is predicted to result in the amino acid substitution p.Gly3490Arg. To our knowledge, this variant has not been reported in the literature. This variant is reported in 0.016% of alleles in individuals of East Asian descent in gnomAD. At this time, the clinical significance of this variant is uncertain due to the absence of conclusive functional and genetic evidence.

Labcorp Genetics (formerly Invitae), Labcorp
Classification: Uncertain significance for Chédiak-Higashi syndrome. Last evaluated: 2022-07-07. Review status: criteria provided, single submitter. Criteria: Invitae Variant Classification Sherloc (09022015). Collection method: clinical testing. Allele origin: germline.
Comment: This sequence change replaces glycine, which is neutral and non-polar, with arginine, which is basic and polar, at codon 3490 of the LYST protein (p.Gly3490Arg). This variant is present in population databases (rs373529106, gnomAD 0.02%). This variant has not been reported in the literature in individuals affected with LYST-related conditions. ClinVar contains an entry for this variant (Variation ID: 649701). Algorithms developed to predict the effect of missense changes on protein structure and function are either unavailable or do not agree on the potential impact of this missense change (SIFT: "Deleterious"; PolyPhen-2: "Probably Damaging"; Align-GVGD: "Class C0"). Algorithms developed to predict the effect of sequence changes on RNA splicing suggest that this variant may disrupt the consensus splice site. In summary, the available evidence is currently insufficient to determine the role of this variant in disease. Therefore, it has been classified as a Variant of Uncertain Significance.

Fulgent Genetics
Classification: Uncertain significance for Chédiak-Higashi syndrome. Last evaluated: 2021-07-24. Review status: criteria provided, single submitter. Criteria: ACMG Guidelines, 2015. Collection method: clinical testing. Allele origin: unknown.